The following is an entry in ClinVar:

NM_000238.4(KCNH2):c.2265C>T (p.Ala755=)

Gene: KCNH2 (potassium voltage-gated channel subfamily H member 2; minus strand). Cytogenetic location: 7q36.1.
Variant type: single nucleotide variant.
Coding change: c.2265C>T on transcript NM_000238.4 (MANE Select); coding-DNA position 2265, C replaced by T.
Protein change: p.Ala755=; no amino-acid change (alanine 755 retained).
Molecular consequence: synonymous variant. On other transcripts: non-coding transcript variant (2).
Genome position (GRCh38, 1-based): chr7:150,950,301, G>A on the plus strand (C>T on the coding strand, the complement: KCNH2 is on the minus strand). VCF-style: chr7-150950301-G-A. GRCh37 (hg19) VCF-style: chr7-150647389-G-A.
Other names: c.1245C>T, p.Ala415= (NM_001204798.2, NM_172057.3); c.1977C>T, p.Ala659= (NM_001406753.1, NM_001406756.1); c.2088C>T, p.Ala696= (NM_001406755.1); c.1965C>T, p.Ala655= (NM_001406757.1); c.2265C>T, p.Ala755= (NM_172056.3).
Identifiers: ClinVar variation 456906 (VCV000456906.17), dbSNP rs144308070, ClinGen allele CA031454.

ClinVar aggregate classification (germline): Likely benign. Review status: criteria provided, multiple submitters, no conflicts (2 of 4 stars). 6 submissions from 6 submitters: Likely benign (6). Last evaluated 2026-01-05.

Conditions:
Cardiac arrhythmia. Also called: Cardiac rhythm disease; Arrhythmia. Identifiers: MedGen C0003811, MONDO:0007263, HP:0011675.
Cardiovascular phenotype. Identifiers: MedGen CN230736.
Long QT syndrome (LQTS). Identifiers: MedGen C0023976, MeSH D008133, MONDO:0002442. Disease mechanism: loss of function. Inheritance: Various modes of inheritance.

Allele frequency attached by ClinVar (database versions not stated): gnomAD 0.00001 and 0.00002; gnomAD exomes 0.00002 and 0.00004; ExAC 0.00003; TOPMed 0.00003; ESP Exome Variant Server 0.00008.

Submissions (6):

Labcorp Genetics (formerly Invitae), Labcorp
Classification: Likely benign for Long QT syndrome. Last evaluated: 2026-01-05. Review status: criteria provided, single submitter. Criteria: Invitae Variant Classification Sherloc (09022015). Collection method: clinical testing. Allele origin: germline.

All of Us Research Program, National Institutes of Health
Classification: Likely benign for Long QT syndrome. Last evaluated: 2023-11-30. Review status: criteria provided, single submitter. Criteria: ACMG Guidelines, 2015. Collection method: clinical testing. Allele origin: germline. Inheritance: Autosomal dominant inheritance. Observed: 13 variant alleles, 13 heterozygotes.
Comment: This study involves interpretation of variants in research participants for the purpose of population health screening. Participant phenotype was not available at the time of variant classification. Additional details can be found in publication PMID: 35346344, PMCID: PMC8962531

Blueprint Genetics
Classification: Likely benign. Last evaluated: 2023-10-30. Review status: criteria provided, single submitter. Criteria: ACMG Guidelines, 2015. Collection method: clinical testing. Allele origin: germline.

Color Diagnostics, LLC DBA Color Health
Classification: Likely benign for Arrhythmia. Last evaluated: 2019-08-20. Review status: criteria provided, single submitter. Criteria: ACMG Guidelines, 2015. Collection method: clinical testing. Allele origin: germline.

Ambry Genetics
Classification: Likely benign for Cardiovascular phenotype. Last evaluated: 2019-01-04. Review status: criteria provided, single submitter. Criteria: Ambry Variant Classification Scheme 2023. Collection method: clinical testing. Allele origin: germline.

GeneDx
Classification: Likely benign. Last evaluated: 2017-07-12. Review status: criteria provided, single submitter. Criteria: GeneDx Variant Classification (06012015). Collection method: clinical testing. Allele origin: germline. Affected: yes.
Comment: This variant is considered likely benign or benign based on one or more of the following criteria: it is a conservative change, it occurs at a poorly conserved position in the protein, it is predicted to be benign by multiple in silico algorithms, and/or has population frequency not consistent with disease.